The following is an entry in ClinVar:

NM_003072.5(SMARCA4):c.72_101del (p.Gly25_Pro34del)

Gene: SMARCA4 (SWI/SNF related BAF chromatin remodeling complex subunit ATPase 4; plus strand). Cytogenetic location: 19p13.2.
Variant type: Deletion.
Coding change: c.72_101del on transcript NM_003072.5 (MANE Select); coding-DNA positions 72 to 101, 30 bases deleted (TGGAGCCATGCTGGGCCCTAGCCCGGGTCC).
Protein change: p.Gly25_Pro34del.
Molecular consequence: inframe deletion. On other transcripts: inframe indel (1), non-coding transcript variant (1).
Genome position (GRCh38, 1-based): chr19:10,984,223-10,984,252, TGGAGCCATGCTGGGCCCTAGCCCGGGTCC deleted; deleting any 30 consecutive bases within chr19:10,984,221-10,984,252 gives the same sequence; the c. name uses the placement nearest the transcript's 3' end. VCF-style (leftmost placement, unchanged base first): chr19-10984220-CCCTGGAGCCATGCTGGGCCCTAGCCCGGGT-C. GRCh37 (hg19) VCF-style: chr19-11094896-CCCTGGAGCCATGCTGGGCCCTAGCCCGGGT-C.
Other names: c.72_101del, p.Gly25_Pro34del (NM_001128844.3, NM_001128845.2, NM_001128846.2 and 5 more transcripts); c.72_101del30, p.Gly25_Pro34del (NM_001411150.1).
Identifiers: ClinVar variation 1757663 (VCV001757663.2), dbSNP rs2513933654, ClinGen allele CA2580096231.

ClinVar aggregate classification (germline): Uncertain significance (1 of 4 stars; one submission).

Conditions:
Hereditary cancer-predisposing syndrome. Also called: Neoplastic Syndromes, Hereditary; Tumor predisposition; Hereditary Cancer Syndrome; Hereditary neoplastic syndrome. Identifiers: Orphanet 140162, MedGen C0027672, MeSH D009386, MONDO:0015356.

Submission:

Ambry Genetics
Classification: Uncertain significance for Hereditary cancer-predisposing syndrome. Last evaluated: 2020-11-04. Review status: criteria provided, single submitter. Criteria: Ambry Variant Classification Scheme 2023. Collection method: clinical testing. Allele origin: germline.
Comment: The c.72_101del30 variant (also known as p.G25_P34del) is located in coding exon 1 of the SMARCA4 gene. This variant results from an in-frame TGGAGCCATGCTGGGCCCTAGCCCGGGTCC deletion at nucleotide positions 72 to 101. This results in the in-frame deletion of 10 amino acids. This amino acid region is well conserved in available vertebrate species. In addition, this alteration is predicted to be deleterious by in silico analysis (Choi Y et al. PLoS ONE. 2012; 7(10):e46688). Since supporting evidence is limited at this time, the clinical significance of this alteration remains unclear.